The following is an entry in ClinVar:

ClinVar aggregate classification (germline): Conflicting classifications of pathogenicity. Review status: criteria provided, conflicting classifications (1 of 4 stars). 6 submissions from 6 submitters: Uncertain significance (2); Likely benign (4). Last evaluated 2026-04-15.

Conditions:
Acromesomelic dysplasia 1, Maroteaux type (AMD1). Also called: ACROMESOMELIC DYSPLASIA 1; ST. HELENA DYSPLASIA. Identifiers: Orphanet 40, MedGen C1864356, MONDO:0011275, OMIM 602875.
Tall stature-scoliosis-macrodactyly of the great toes syndrome. Also called: Epiphyseal chondrodysplasia, miura type. Identifiers: Orphanet 329191, MedGen C4014690, MONDO:0014401, OMIM 615923.

Allele frequency attached by ClinVar (database versions not stated): gnomAD 0.00031 and 0.00025; TOPMed 0.00042; 1000 Genomes Project 0.00020; 1000 Genomes Project 30x 0.00016; gnomAD exomes 0.00037 and 0.00047; ESP Exome Variant Server 0.00038; ExAC 0.00058.
gnomAD v4.1: 607 of 1,614,200 alleles (0.038%); highest among the groups gnomAD compares: Middle Eastern, 0.73%; 2 homozygotes.

Submissions (6):

Women's Health and Genetics/Laboratory Corporation of America, LabCorp
Classification: Likely benign. Last evaluated: 2026-04-15. Review status: criteria provided, single submitter. Criteria: LabCorp Variant Classification Summary - May 2015. Collection method: clinical testing. Allele origin: germline.

Labcorp Genetics (formerly Invitae), Labcorp
Classification: Likely benign for Tall stature-scoliosis-macrodactyly of the great toes syndrome; Acromesomelic dysplasia 1, Maroteaux type. Last evaluated: 2026-01-02. Review status: criteria provided, single submitter. Criteria: Invitae Variant Classification Sherloc (09022015). Collection method: clinical testing. Allele origin: germline.

CeGaT Center for Human Genetics Tuebingen
Classification: Likely benign. Last evaluated: 2024-07-01. Review status: criteria provided, single submitter. Criteria: CeGaT Center For Human Genetics Tuebingen Variant Classification Criteria Version 2. Collection method: clinical testing. Allele origin: germline. Affected: yes. Observed: 1 variant allele.
Comment: NPR2: BP4, BP7

Blueprint Genetics
Classification: Likely benign. Last evaluated: 2024-06-19. Review status: criteria provided, single submitter. Criteria: ACMG Guidelines, 2015. Collection method: clinical testing. Allele origin: germline.

Illumina Laboratory Services, Illumina
Classification: Uncertain significance for Acromesomelic dysplasia 1, Maroteaux type. Last evaluated: 2018-01-13. Review status: criteria provided, single submitter. Criteria: ICSL Variant Classification Criteria 13 December 2019. Collection method: clinical testing. Allele origin: germline.

Eurofins Ntd Llc (ga)
Classification: Uncertain significance. Last evaluated: 2017-08-08. Review status: criteria provided, single submitter. Criteria: EGL Classification Definitions 2015. Collection method: clinical testing. Allele origin: germline. Observed: 2 variant alleles, 2 heterozygotes.

NM_003995.4(NPR2):c.3087A>C (p.Gly1029=)

Genes: NPR2 (natriuretic peptide receptor 2; plus strand), SPAG8 (sperm associated antigen 8; minus strand). Cytogenetic location: 9p13.3.
Variant type: single nucleotide variant.
Coding change: c.3087A>C on transcript NM_003995.4 (MANE Select); coding-DNA position 3087, A replaced by C.
Protein change: p.Gly1029=; no amino-acid change (glycine 1029 retained).
Molecular consequence: synonymous variant. On other transcripts: intron variant (2).
Genome position (GRCh38, 1-based): chr9:35,809,388, A>C. VCF-style: chr9-35809388-A-C. GRCh37 (hg19) VCF-style: chr9-35809385-A-C.
Other names: c.3096A>C, p.Gly1032= (NM_001378923.1); c.1200+1051T>G (NM_001366760.2); c.1372+16T>G (NM_172312.2).
Identifiers: ClinVar variation 288222 (VCV000288222.36), dbSNP rs138254005, ClinGen allele CA5052218.
Genomic context (GRCh38, chr9:35,809,388, plus strand): 5'-CAAAGGGACTAACATCGAAGCATCTGAATCATGTCCACTCTCCCACTTCCAGGGAAAAGG[A>C]AAGATGCGAACATACTGGCTCTTAGGAGAGCGGAAAGGACCTCCTGGACTCCTGTAAACC-3'
Protein context (NP_003986.2, residues 1019-1039): LRGDVEMKGK[Gly1029=]KMRTYWLLGE